The following is an entry in ClinVar:

NM_017763.6(RNF43):c.728T>C (p.Leu243Pro)

Gene: RNF43 (ring finger protein 43; minus strand). Cytogenetic location: 17q22.
Variant type: single nucleotide variant.
Coding change: c.728T>C on transcript NM_017763.6 (MANE Select); coding-DNA position 728, T replaced by C.
Protein change: p.Leu243Pro; replaces leucine 243 with proline.
Molecular consequence: missense variant.
Genome position (GRCh38, 1-based): chr17:58,360,904, A>G on the plus strand (T>C on the coding strand, the complement: RNF43 is on the minus strand). VCF-style: chr17-58360904-A-G. GRCh37 (hg19) VCF-style: chr17-56438265-A-G.
Other names: c.728T>C, p.Leu243Pro (NM_001305544.3); c.347T>C, p.Leu116Pro (NM_001305545.2); short protein forms L243P, L116P.
Identifiers: ClinVar variation 3434513 (VCV003434513.1).

ClinVar aggregate classification (germline): Uncertain significance (1 of 4 stars; one submission).

Submission:

Ambry Genetics
Classification: Uncertain significance. Last evaluated: 2024-11-25. Review status: criteria provided, single submitter. Criteria: Ambry Variant Classification Scheme 2023. Collection method: clinical testing. Allele origin: germline.
Comment: The p.L243P variant (also known as c.728T>C), located in coding exon 6 of the RNF43 gene, results from a T to C substitution at nucleotide position 728. The leucine at codon 243 is replaced by proline, an amino acid with similar properties. This amino acid position is conserved. In addition, the in silico prediction for this alteration is inconclusive. Based on the available evidence, the clinical significance of this variant remains unclear.